The following is an entry in ClinVar:

NM_024675.4(PALB2):c.1189A>G (p.Thr397Ala)

Gene: PALB2 (partner and localizer of BRCA2; minus strand). Cytogenetic location: 16p12.2.
Variant type: single nucleotide variant.
Coding change: c.1189A>G on transcript NM_024675.4 (MANE Select); coding-DNA position 1189, A replaced by G.
Protein change: p.Thr397Ala; replaces threonine 397 with alanine.
Molecular consequence: missense variant.
Genome position (GRCh38, 1-based): chr16:23,635,357, T>C on the plus strand (A>G on the coding strand, the complement: PALB2 is on the minus strand). VCF-style: chr16-23635357-T-C. GRCh37 (hg19) VCF-style: chr16-23646678-T-C.
Other names: short protein forms T397A.
Identifiers: ClinVar variation 246419 (VCV000246419.14), dbSNP rs367578415, ClinGen allele CA10584522.

ClinVar aggregate classification (germline): Uncertain significance. Review status: criteria provided, multiple submitters, no conflicts (2 of 4 stars). 4 submissions from 4 submitters: Uncertain significance (4). Last evaluated 2025-06-05.

Conditions:
Hereditary cancer-predisposing syndrome. Also called: Hereditary neoplastic syndrome; Neoplastic Syndromes, Hereditary; Tumor predisposition; Hereditary Cancer Syndrome. Identifiers: Orphanet 140162, MedGen C0027672, MeSH D009386, MONDO:0015356.
Familial cancer of breast. Also called: BREAST CANCER, FAMILIAL; Hereditary breast cancer; hereditary breast carcinoma. Identifiers: Orphanet 227535, MedGen C0346153, MONDO:0016419, OMIM 114480. Disease mechanism: loss of function.

gnomAD v4.1: 2 of 1,614,054 alleles (0.00012%); highest among the groups gnomAD compares: African/African-American, 0.0013%; no homozygotes.

Submissions (4):

Ambry Genetics
Classification: Uncertain significance for Hereditary cancer-predisposing syndrome. Last evaluated: 2025-06-05. Review status: criteria provided, single submitter. Criteria: Ambry Variant Classification Scheme 2023. Collection method: clinical testing. Allele origin: germline.
Comment: The p.T397A variant (also known as c.1189A>G), located in coding exon 4 of the PALB2 gene, results from an A to G substitution at nucleotide position 1189. The threonine at codon 397 is replaced by alanine, an amino acid with similar properties. This amino acid position is highly conserved in available vertebrate species. In addition, the in silico prediction for this alteration is inconclusive. Based on the available evidence, the clinical significance of this variant remains unclear.

Labcorp Genetics (formerly Invitae), Labcorp
Classification: Uncertain significance for Familial cancer of breast. Last evaluated: 2024-08-27. Review status: criteria provided, single submitter. Criteria: Invitae Variant Classification Sherloc (09022015). Collection method: clinical testing. Allele origin: germline.
Comment: This sequence change replaces threonine, which is neutral and polar, with alanine, which is neutral and non-polar, at codon 397 of the PALB2 protein (p.Thr397Ala). This variant is not present in population databases (gnomAD no frequency). This variant has not been reported in the literature in individuals affected with PALB2-related conditions. ClinVar contains an entry for this variant (Variation ID: 246419). Invitae Evidence Modeling of protein sequence and biophysical properties (such as structural, functional, and spatial information, amino acid conservation, physicochemical variation, residue mobility, and thermodynamic stability) indicates that this missense variant is expected to disrupt PALB2 protein function with a positive predictive value of 80%. In summary, the available evidence is currently insufficient to determine the role of this variant in disease. Therefore, it has been classified as a Variant of Uncertain Significance.

GeneDx
Classification: Uncertain significance. Last evaluated: 2024-06-24. Review status: criteria provided, single submitter. Criteria: GeneDx Variant Classification Process June 2021. Collection method: clinical testing. Allele origin: germline. Affected: yes.
Comment: Not observed at significant frequency in large population cohorts (gnomAD); In silico analysis supports that this missense variant has a deleterious effect on protein structure/function; Has not been previously published as pathogenic or benign to our knowledge; This variant is associated with the following publications: (PMID: 22193777)

Women's Health and Genetics/Laboratory Corporation of America, LabCorp
Classification: Uncertain significance. Last evaluated: 2024-01-26. Review status: criteria provided, single submitter. Criteria: LabCorp Variant Classification Summary - May 2015. Collection method: clinical testing. Allele origin: germline.